The following is an entry in ClinVar:

NM_000540.3(RYR1):c.13467AGAGCC[3] (p.4489PE[6])

Gene: RYR1 (ryanodine receptor 1; plus strand). Cytogenetic location: 19q13.2.
Variant type: Microsatellite.
Coding change: c.13467AGAGCC[3] on transcript NM_000540.3 (MANE Select); three copies in a row of the 6-base unit AGAGCC starting at c.13467; the reference has two copies in a row; one copy, 6 bases duplicated; also written c.13473_13478dup.
Protein change: p.4489PE[6].
Molecular consequence: inframe insertion.
Genome position (GRCh38, 1-based): chr19:38,566,946-38,566,951, AGAGCC duplicated; duplicating any 6 consecutive bases within chr19:38,566,937-38,566,951 gives the same sequence; the position shown is the placement nearest the transcript's 3' end. VCF-style (leftmost placement, unchanged base first): chr19-38566936-C-CGCCAGA. GRCh37 (hg19) VCF-style: chr19-39057576-C-CGCCAGA.
Other names: c.13473_13478dup (NM_000540.3); c.13452AGAGCC[3], p.4484PE[6] (NM_001042723.2).
Identifiers: ClinVar variation 834286 (VCV000834286.8), dbSNP rs751816707, ClinGen allele CA9415939.

ClinVar aggregate classification (germline): Uncertain significance. Review status: criteria provided, multiple submitters, no conflicts (2 of 4 stars). 4 submissions from 4 submitters: Uncertain significance (4). Last evaluated 2023-08-08.

Conditions:
Congenital myopathy with fiber type disproportion. Also called: Congenital fiber-type disproportion; Congenital fiber-type disproportion myopathy. Identifiers: Orphanet 2020, MedGen C0546264, MONDO:0009711. Inheritance: all.
Central core myopathy (CMYO1A). Also called: Central core disease; Myopathy, central fibrillar; CONGENITAL MYOPATHY 1A, AUTOSOMAL DOMINANT, WITH SUSCEPTIBILITY TO MALIGNANT HYPERTHERMIA. Identifiers: Orphanet 597, MedGen C5830701, MONDO:0007294, OMIM 117000.
Malignant hyperthermia, susceptibility to, 1 (MHS1). Also called: RYR1-Related Malignant Hyperthermia Susceptibility; Anesthesia related hyperthermia; Malignant hyperpyrexia; Fulminating hyperpyrexia; Pharmacogenic myopathy; Malignant hyperthermia suceptibility 1. Identifiers: Orphanet 423, MedGen C2930980, MONDO:0007783, OMIM 145600.
King Denborough syndrome (KDS). Identifiers: MedGen C1840365, MONDO:0020485, OMIM 619542.
Congenital multicore myopathy with external ophthalmoplegia (CMYO1B). Also called: Minicore myopathy with external ophthalmoplegia; MULTIMINICORE DISEASE WITH EXTERNAL OPHTHALMOPLEGIA; MULTICORE MYOPATHY; Congenital myopathy 1B, autosomal recessive; Minicore myopathy. Identifiers: Orphanet 598, Orphanet 98905, MedGen C1850674, MONDO:0009712, OMIM 255320, HP:0003789.
RYR1-related disorder. Also called: RYR1-related condition; RYR1-related disorders. Identifiers: MedGen CN239331.

Submissions (4):

All of Us Research Program, National Institutes of Health
Classification: Uncertain significance for Malignant hyperthermia, susceptibility to, 1. Last evaluated: 2023-08-08. Review status: criteria provided, single submitter. Criteria: ACMG Guidelines, 2015. Collection method: clinical testing. Allele origin: germline. Inheritance: Autosomal dominant inheritance. Observed: 1 variant allele, 1 heterozygote.
Comment: This variant causes the in-frame insertion of two amino acids in the RYR1 protein. To our knowledge, functional studies have not been reported for this variant. This variant has not been reported in individuals affected with RYR1-related disorders in the literature. This variant has been identified in 2/235210 chromosomes in the general population by the Genome Aggregation Database (gnomAD). The available evidence is insufficient to determine the role of this variant in disease conclusively. Therefore, this variant is classified as a Variant of Uncertain Significance.

This study involves interpretation of variants in research participants for the purpose of population health screening. Participant phenotype was not available at the time of variant classification. Additional details can be found in publication PMID: 35346344, PMCID: PMC8962531

Blueprint Genetics
Classification: Uncertain significance. Last evaluated: 2023-07-26. Review status: criteria provided, single submitter. Criteria: ACMG Guidelines, 2015. Collection method: clinical testing. Allele origin: germline.

Labcorp Genetics (formerly Invitae), Labcorp
Classification: Uncertain significance for RYR1-related disorder. Last evaluated: 2022-03-09. Review status: criteria provided, single submitter. Criteria: Invitae Variant Classification Sherloc (09022015). Collection method: clinical testing. Allele origin: germline.
Comment: This variant, c.13473_13478dup, results in the insertion of 2 amino acid(s) of the RYR1 protein (p.Pro4497_Glu4498dup), but otherwise preserves the integrity of the reading frame. This variant is present in population databases (rs751816707, gnomAD 0.002%). This variant has not been reported in the literature in individuals affected with RYR1-related conditions. ClinVar contains an entry for this variant (Variation ID: 834286). Experimental studies and prediction algorithms are not available or were not evaluated, and the functional significance of this variant is currently unknown. In summary, the available evidence is currently insufficient to determine the role of this variant in disease. Therefore, it has been classified as a Variant of Uncertain Significance.

Fulgent Genetics
Classification: Uncertain significance for Central core myopathy; Malignant hyperthermia, susceptibility to, 1; Congenital myopathy 4A, autosomal dominant; Congenital multicore myopathy with external ophthalmoplegia; King Denborough syndrome. Last evaluated: 2021-11-24. Review status: criteria provided, single submitter. Criteria: ACMG Guidelines, 2015. Collection method: clinical testing. Allele origin: unknown.